The following is an entry in ClinVar:

ClinVar aggregate classification (germline): Benign/Likely benign. Review status: criteria provided, multiple submitters, no conflicts (2 of 4 stars). 2 submissions from 2 submitters: Benign (1); Likely benign (1). Last evaluated 2026-07-28.

Conditions:
Hereditary pheochromocytoma and paraganglioma. Also called: Hereditary Paraganglioma-Pheochromocytoma Syndromes; Hereditary paragangliomas and pheochromocytomas; Hereditary pheochromocytoma-paraganglioma. Identifiers: Orphanet 29072, MedGen C4274332, MONDO:0017366.
Hereditary cancer-predisposing syndrome. Also called: Neoplastic Syndromes, Hereditary; Tumor predisposition; Hereditary neoplastic syndrome; Hereditary Cancer Syndrome. Identifiers: Orphanet 140162, MedGen C0027672, MeSH D009386, MONDO:0015356.

Submissions (2):

Myriad Genetics, Inc.
Classification: Benign for Hereditary pheochromocytoma and paraganglioma. Last evaluated: 2026-07-28. Review status: criteria provided, single submitter. Criteria: Myriad Autosomal Dominant, Autosomal Recessive and X-Linked Classification Criteria (2023). Collection method: clinical testing. Allele origin: unknown.
Comment: This variant is considered benign. This variant is a silent/synonymous amino acid change and it is not expected to impact splicing.

Ambry Genetics
Classification: Likely benign for Hereditary cancer-predisposing syndrome. Last evaluated: 2026-01-18. Review status: criteria provided, single submitter. Criteria: Ambry Variant Classification Scheme 2023. Collection method: clinical testing. Allele origin: germline.

NM_017849.4(TMEM127):c.72C>A (p.Pro24=)

Genes: TMEM127 (transmembrane protein 127; minus strand), LOC129934333 (ATAC-STARR-seq lymphoblastoid silent region 11759; plus strand). Cytogenetic location: 2q11.2.
Variant type: single nucleotide variant.
Coding change: c.72C>A on transcript NM_017849.4 (MANE Select); coding-DNA position 72, C replaced by A.
Protein change: p.Pro24=; no amino-acid change (proline 24 retained).
Molecular consequence: synonymous variant. On other transcripts: intron variant (1).
Genome position (GRCh38, 1-based): chr2:96,265,310, G>T on the plus strand (C>A on the coding strand, the complement: TMEM127 is on the minus strand). VCF-style: chr2-96265310-G-T. GRCh37 (hg19) VCF-style: chr2-96931048-G-T.
Other names: c.72C>A, p.Pro24= (NM_001193304.3); c.-9+559C>A (NM_001407283.1).
Identifiers: ClinVar variation 4844460 (VCV004844460.2).